The following is an entry in ClinVar:

NM_005660.3(SLC35A2):c.1163+30C>G

Gene: SLC35A2 (solute carrier family 35 member A2; minus strand). Cytogenetic location: Xp11.23.
Variant type: single nucleotide variant.
Coding change: c.1163+30C>G on transcript NM_005660.3 (MANE Select); 30 bases into the intron after coding-DNA position 1163, C replaced by G.
Molecular consequence: intron variant. On other transcripts: missense variant (2), 3 prime UTR variant (4).
Genome position (GRCh38, 1-based): chrX:48,904,716, G>C on the plus strand (C>G on the coding strand, the complement: SLC35A2 is on the minus strand). VCF-style: chrX-48904716-G-C. GRCh37 (hg19) VCF-style: chrX-48761993-G-C.
Other names: c.603C>G, p.Ser201Arg (NM_001032289.3); c.*11C>G (NM_001042498.3, NM_001282649.2, NM_001282650.2 and 1 more transcripts); c.531C>G, p.Ser177Arg (NM_001282648.2); c.573+30C>G (NM_001282647.2); short protein forms S177R, S201R.
Identifiers: ClinVar variation 3772214 (VCV003772214.13).

ClinVar aggregate classification (germline): Likely benign (1 of 4 stars; one submission).

gnomAD v4.1: 42 of 1,208,841 alleles (0.0035%); highest among the groups gnomAD compares: Non-Finnish European, 0.0045%; no homozygotes.

Submission:

CeGaT Center for Human Genetics Tuebingen
Classification: Likely benign. Last evaluated: 2025-01-01. Review status: criteria provided, single submitter. Criteria: CeGaT Center For Human Genetics Tuebingen Variant Classification Criteria Version 2. Collection method: clinical testing. Allele origin: germline. Affected: yes. Observed: 1 variant allele.
Comment: SLC35A2: BP4, BS2